The following is an entry in ClinVar:

ClinVar aggregate classification (germline): Uncertain significance (1 of 4 stars; one submission).

Conditions:
SIM1-related disorder. Also called: SIM1-related disorders; SIM1-related condition.

Submission:

PreventionGenetics, part of Exact Sciences
Classification: Uncertain significance for SIM1-related condition. Last evaluated: 2025-03-12. Review status: criteria provided, single submitter. Criteria: ACMG Guidelines, 2015. Collection method: clinical testing. Allele origin: germline.
Comment: The SIM1 c.2164T>A variant is predicted to result in the amino acid substitution p.Tyr722Asn. To our knowledge, this variant has not been reported in the literature or in a large population database (gnomAD), indicating this variant is rare. At this time, the clinical significance of this variant is uncertain due to the absence of conclusive functional and genetic evidence.

NM_005068.3(SIM1):c.2164T>A (p.Tyr722Asn)

Gene: SIM1 (SIM bHLH transcription factor 1; minus strand). Cytogenetic location: 6q16.3.
Variant type: single nucleotide variant.
Coding change: c.2164T>A on transcript NM_005068.3 (MANE Select); coding-DNA position 2164, T replaced by A.
Protein change: p.Tyr722Asn; replaces tyrosine 722 with asparagine.
Molecular consequence: missense variant.
Genome position (GRCh38, 1-based): chr6:100,390,498, A>T on the plus strand (T>A on the coding strand, the complement: SIM1 is on the minus strand). VCF-style: chr6-100390498-A-T. GRCh37 (hg19) VCF-style: chr6-100838374-A-T.
Other names: c.2164T>A, p.Tyr722Asn (NM_001374769.1); short protein forms Y722N.
Identifiers: ClinVar variation 5001651 (VCV005001651.1).